The following is an entry in ClinVar:

ClinVar aggregate classification (germline): Benign (1 of 4 stars; one submission).

Allele frequency attached by ClinVar (database versions not stated): gnomAD 0.06382 and 0.06866; 1000 Genomes Project 0.06669; 1000 Genomes Project 30x 0.07230; TOPMed 0.07252.
gnomAD v4.1: 9,632 of 152,300 alleles (6.3%); highest among the groups gnomAD compares: African/African-American, 22%; 980 homozygotes.

Submission:

GeneDx
Classification: Benign. Last evaluated: 2018-06-19. Review status: criteria provided, single submitter. Criteria: GeneDx Variant Classification (06012015). Collection method: clinical testing. Allele origin: germline. Affected: yes.
Comment: This variant is considered likely benign or benign based on one or more of the following criteria: it is a conservative change, it occurs at a poorly conserved position in the protein, it is predicted to be benign by multiple in silico algorithms, and/or has population frequency not consistent with disease.

NM_001105206.3(LAMA4):c.4476-153T>C

Gene: LAMA4 (laminin subunit alpha 4; minus strand). Cytogenetic location: 6q21.
Variant type: single nucleotide variant.
Coding change: c.4476-153T>C on transcript NM_001105206.3 (MANE Select); 153 bases into the intron before coding-DNA position 4476, T replaced by C.
Molecular consequence: intron variant.
Genome position (GRCh38, 1-based): chr6:112,120,625, A>G on the plus strand (T>C on the coding strand, the complement: LAMA4 is on the minus strand). VCF-style: chr6-112120625-A-G. GRCh37 (hg19) VCF-style: chr6-112441828-A-G.
Other names: c.4455-153T>C (NM_002290.5, NM_001105207.3).
Identifiers: ClinVar variation 672738 (VCV000672738.1), dbSNP rs10452631, ClinGen allele CA144883057.